The following is an entry in ClinVar:

NM_182961.4(SYNE1):c.22520G>A (p.Arg7507His)

Gene: SYNE1 (spectrin repeat containing nuclear envelope protein 1; minus strand). Cytogenetic location: 6q25.2.
Variant type: single nucleotide variant.
Coding change: c.22520G>A on transcript NM_182961.4 (MANE Select); coding-DNA position 22520, G replaced by A.
Protein change: p.Arg7507His; replaces arginine 7507 with histidine.
Molecular consequence: missense variant.
Genome position (GRCh38, 1-based): chr6:152,211,563, C>T on the plus strand (G>A on the coding strand, the complement: SYNE1 is on the minus strand). VCF-style: chr6-152211563-C-T. GRCh37 (hg19) VCF-style: chr6-152532698-C-T.
Other names: p.Arg7436His; c.22307G>A, p.Arg7436His (NM_033071.5); short protein forms R7507H, R7436H.
Identifiers: ClinVar variation 648470 (VCV000648470.7), dbSNP rs776733924, ClinGen allele CA4053855.

ClinVar aggregate classification (germline): Uncertain significance. Review status: criteria provided, multiple submitters, no conflicts (2 of 4 stars). 3 submissions from 3 submitters: Uncertain significance (3). Last evaluated 2025-09-02.

Conditions:
Emery-Dreifuss muscular dystrophy 4, autosomal dominant (EDMD4). Also called: EMERY-DREIFUSS MUSCULAR DYSTROPHY 4 WITH VARIABLE FEATURES. Identifiers: Orphanet 261, MedGen C2751807, MONDO:0013071, OMIM 612998.
Autosomal recessive ataxia, Beauce type. Also called: Spinocerebellar ataxia, autosomal recessive 8; ATAXIA, RECESSIVE, OF BEAUCE; SYNE1-Related Autosomal Recessive Cerebellar Ataxia; SYNE1 Deficiency. Identifiers: Orphanet 88644, MedGen C1853116, MONDO:0012549, OMIM 610743.
Arthrogryposis multiplex congenita 3, myogenic type. Also called: ARTHROGRYPOSIS MULTIPLEX CONGENITA, MYOGENIC TYPE. Identifiers: MedGen C5193121, MONDO:0032778, OMIM 618484.

Allele frequency attached by ClinVar (database versions not stated): gnomAD exomes 0.00001 and 0.00004; ExAC 0.00002; TOPMed 0.00003.
gnomAD v4.1: 20 of 1,613,580 alleles (0.0012%); highest among the groups gnomAD compares: Admixed American, 0.0083%; no homozygotes.

Submissions (3):

Labcorp Genetics (formerly Invitae), Labcorp
Classification: Uncertain significance for Emery-Dreifuss muscular dystrophy 4, autosomal dominant; Autosomal recessive ataxia, Beauce type. Last evaluated: 2025-09-02. Review status: criteria provided, single submitter. Criteria: Invitae Variant Classification Sherloc (09022015). Collection method: clinical testing. Allele origin: germline.
Comment: This sequence change replaces arginine, which is basic and polar, with histidine, which is basic and polar, at codon 7436 of the SYNE1 protein (p.Arg7436His). This variant is present in population databases (rs776733924, gnomAD 0.01%). This variant has not been reported in the literature in individuals affected with SYNE1-related conditions. ClinVar contains an entry for this variant (Variation ID: 648470). An algorithm developed to predict the effect of missense changes on protein structure and function (PolyPhen-2) suggests that this variant is likely to be disruptive. In summary, the available evidence is currently insufficient to determine the role of this variant in disease. Therefore, it has been classified as a Variant of Uncertain Significance.

Mayo Clinic Laboratories, Mayo Clinic
Classification: Uncertain significance. Last evaluated: 2025-07-18. Review status: criteria provided, single submitter. Criteria: ACMG Guidelines, 2015. Collection method: clinical testing. Allele origin: germline. Observed: 1 variant allele.

Baylor Genetics
Classification: Uncertain significance for Arthrogryposis multiplex congenita 3, myogenic type. Last evaluated: 2020-06-03. Review status: criteria provided, single submitter. Criteria: ACMG Guidelines, 2015. Collection method: clinical testing. Allele origin: unknown. Affected: yes.
Comment: This variant was determined to be of uncertain significance according to ACMG Guidelines, 2015 [PMID:25741868].

Literature cited by the submitters: PubMed 31674007 (cited by Mayo Clinic Laboratories, Mayo Clinic).